The following is an entry in ClinVar:

NM_001038.6(SCNN1A):c.1486G>A (p.Val496Met)

Gene: SCNN1A (sodium channel epithelial 1 subunit alpha; minus strand). Cytogenetic location: 12p13.31.
Variant type: single nucleotide variant.
Coding change: c.1486G>A on transcript NM_001038.6 (MANE Select); coding-DNA position 1486, G replaced by A.
Protein change: p.Val496Met; replaces valine 496 with methionine.
Molecular consequence: missense variant.
Genome position (GRCh38, 1-based): chr12:6,349,175, C>T on the plus strand (G>A on the coding strand, the complement: SCNN1A is on the minus strand). VCF-style: chr12-6349175-C-T. GRCh37 (hg19) VCF-style: chr12-6458341-C-T.
Other names: p.Val496Met; c.1555G>A, p.Val519Met (NM_001159575.2); c.1663G>A, p.Val555Met (NM_001159576.2); short protein forms V496M, V519M, V555M.
Identifiers: ClinVar variation 3242419 (VCV003242419.2), dbSNP rs200923755.

ClinVar aggregate classification (germline): Uncertain significance (1 of 4 stars; one submission).

Conditions:
Brugada syndrome 1 (BRGDA1). Also called: RIGHT BUNDLE BRANCH BLOCK, ST SEGMENT ELEVATION, AND SUDDEN DEATH SYNDROME. Identifiers: Orphanet 130, MedGen C4551804, MONDO:0011001, OMIM 601144.

Allele frequency attached by ClinVar (database versions not stated): gnomAD exomes below 0.00001; TOPMed below 0.00001; ExAC 0.00001; gnomAD 0.00001.
gnomAD v4.1: 4 of 1,613,962 alleles (0.00025%); highest among the groups gnomAD compares: Non-Finnish European, 0.00034%; no homozygotes.

Submission:

Petrovsky National Research Centre of Surgery, The Federal Agency for Scientific Organizations
Classification: Uncertain significance for Brugada syndrome 1. Last evaluated: 2024-06-18. Review status: criteria provided, single submitter. Criteria: ACMG Guidelines, 2015. Collection method: clinical testing. Allele origin: germline. Inheritance: Autosomal dominant inheritance. Affected: yes. Observed: 1 heterozygote.
Comment: This NM_001038:c.1486G>A (p.Val496Met) variant is absent in The Genome Aggregation Database (gnomAD) v4.1.0 with total MAF 0.000002478 (Date of access 17-06-2024). This variant has not been reported in any study to our knowledge. Most in silico predictors show benign result of the protein change. In accordance with ACMG(2015) criteria this variant is classified as Variant of Uncertain Significance (VUS) with following criteria selected: PM2, BP4.